The following is an entry in ClinVar:

ClinVar aggregate classification (germline): Uncertain significance. Review status: criteria provided, multiple submitters, no conflicts (2 of 4 stars). 2 submissions from 2 submitters: Uncertain significance (2). Last evaluated 2025-11-08.

Conditions:
Emery-Dreifuss muscular dystrophy (EDMD). Also called: Scapuloperoneal syndrome, X-linked (formerly); Humeroperoneal neuromuscular disease, (formerly). Identifiers: Orphanet 261, MedGen C0410189, MONDO:0016830.

Allele frequency attached by ClinVar (database versions not stated): gnomAD exomes below 0.00001 and 0.00001.
gnomAD v4.1: 16 of 1,610,738 alleles (0.00099%); highest among the groups gnomAD compares: Admixed American, 0.02%; no homozygotes.

Submissions (2):

Labcorp Genetics (formerly Invitae), Labcorp
Classification: Uncertain significance for Emery-Dreifuss muscular dystrophy. Last evaluated: 2025-11-08. Review status: criteria provided, single submitter. Criteria: Invitae Variant Classification Sherloc (09022015). Collection method: clinical testing. Allele origin: germline.
Comment: This sequence change replaces arginine, which is basic and polar, with glycine, which is neutral and non-polar, at codon 239 of the SUN1 protein (p.Arg239Gly). The frequency data for this variant in the population databases is considered unreliable, as metrics indicate poor data quality at this position in the gnomAD database. This variant has not been reported in the literature in individuals affected with SUN1-related conditions. ClinVar contains an entry for this variant (Variation ID: 461665). An algorithm developed to predict the effect of missense changes on protein structure and function (PolyPhen-2) suggests that this variant is likely to be disruptive. In summary, the available evidence is currently insufficient to determine the role of this variant in disease. Therefore, it has been classified as a Variant of Uncertain Significance.

Ambry Genetics
Classification: Uncertain significance. Last evaluated: 2023-01-18. Review status: criteria provided, single submitter. Criteria: Ambry Variant Classification Scheme 2023. Collection method: clinical testing. Allele origin: germline.

NM_001130965.3(SUN1):c.715A>G (p.Arg239Gly)

Gene: SUN1 (Sad1 and UNC84 domain containing 1; plus strand). Cytogenetic location: 7p22.3.
Variant type: single nucleotide variant.
Coding change: c.715A>G on transcript NM_001130965.3 (MANE Select); coding-DNA position 715, A replaced by G.
Protein change: p.Arg239Gly; replaces arginine 239 with glycine.
Molecular consequence: missense variant. On other transcripts: synonymous variant (1), non-coding transcript variant (3), intron variant (12).
Genome position (GRCh38, 1-based): chr7:851,440, A>G. VCF-style: chr7-851440-A-G. GRCh37 (hg19) VCF-style: chr7-891077-A-G.
Other names: c.715A>G, p.Arg239Gly (NM_001367633.1, NM_001367634.1, NM_001367653.1 and 3 more transcripts); c.369A>G, p.Pro123= (NM_001367635.1); c.958A>G, p.Arg320Gly (NM_001367636.1, NM_001367655.1, NM_001367666.1 and 1 more transcripts); c.826A>G, p.Arg276Gly (NM_001367638.1, NM_001367664.1, NM_001367685.1 and 1 more transcripts); c.259A>G, p.Arg87Gly (NM_001367639.1); c.997A>G, p.Arg333Gly (NM_001367641.1, NM_001367682.1, NM_001367698.1); c.910A>G, p.Arg304Gly (NM_001367643.1, NM_001367693.1, NM_001367697.1); c.649A>G, p.Arg217Gly (NM_001367644.1, NM_001367680.1, NM_001367701.1); and 24 more; short protein forms R239G, Q22R, R217G, R267G, R50G, R213G, R226G, R254G.
Identifiers: ClinVar variation 461665 (VCV000461665.11), dbSNP rs879232845, ClinGen allele CA152351022.
Genomic context (GRCh38, chr7:851,440, plus strand): 5'-ACAGGTTACTTCTTGCTGCAGATTCTGCGCAGGATCGGAGCTGTGGGCCAGGCTGTGTCC[A>G]GGACGGCGTGGTCGGCCCTTTGGCTGGCCGTGGTTGCTCCAGGTGGCTATTTTGGGTTTC-3'
Protein context (NP_001124437.1, residues 229-249): RIGAVGQAVS[Arg239Gly]TAWSALWLAV